The following is an entry in ClinVar:

ClinVar aggregate classification (germline): Uncertain significance (1 of 4 stars; one submission).

Allele frequency attached by ClinVar (database versions not stated): TOPMed 0.00003; ExAC 0.00004; gnomAD 0.00004; ESP Exome Variant Server 0.00015.
gnomAD v4.1: 48 of 1,613,402 alleles (0.003%); highest among the groups gnomAD compares: African/African-American, 0.008%; no homozygotes.

Submission:

Labcorp Genetics (formerly Invitae), Labcorp
Classification: Uncertain significance. Last evaluated: 2025-05-05. Review status: criteria provided, single submitter. Criteria: Invitae Variant Classification Sherloc (09022015). Collection method: clinical testing. Allele origin: germline.
Comment: This sequence change replaces arginine, which is basic and polar, with glutamine, which is neutral and polar, at codon 320 of the ARHGEF18 protein (p.Arg320Gln). This variant is present in population databases (rs146605267, gnomAD 0.008%). This variant has not been reported in the literature in individuals affected with ARHGEF18-related conditions. ClinVar contains an entry for this variant (Variation ID: 969458). An algorithm developed to predict the effect of missense changes on protein structure and function (PolyPhen-2) suggests that this variant is likely to be tolerated. In summary, the available evidence is currently insufficient to determine the role of this variant in disease. Therefore, it has been classified as a Variant of Uncertain Significance.

NM_001367823.1(ARHGEF18):c.1523G>A (p.Arg508Gln)

Gene: ARHGEF18 (Rho/Rac guanine nucleotide exchange factor 18; plus strand). Cytogenetic location: 19p13.2.
Variant type: single nucleotide variant.
Coding change: c.1523G>A on transcript NM_001367823.1 (MANE Select); coding-DNA position 1523, G replaced by A.
Protein change: p.Arg508Gln; replaces arginine 508 with glutamine.
Molecular consequence: missense variant.
Genome position (GRCh38, 1-based): chr19:7,444,366, G>A. VCF-style: chr19-7444366-G-A. GRCh37 (hg19) VCF-style: chr19-7509252-G-A.
Other names: c.797G>A, p.Arg266Gln (NM_001130955.2); c.485G>A, p.Arg162Gln (NM_001367824.1, NM_015318.4); short protein forms R508Q, R162Q, R266Q.
Identifiers: ClinVar variation 969458 (VCV000969458.7), dbSNP rs146605267, ClinGen allele CA9136493.
Genomic context (GRCh38, chr19:7,444,366, plus strand): 5'-TTGGCCGCCTCTTCCCATGCGCTGACGACCTGCTGGAGACGCACAGCCACTTCCTCGCTC[G>A]GCTCAAGGAGCGCCGCCAGGAGTCCCTGGAGGAGGGCAGTGACCGGAATTATGTCATCCA-3'
Protein context (NP_001354752.1, residues 498-518): LLETHSHFLA[Arg508Gln]LKERRQESLE